The following is an entry in ClinVar:

NM_004408.4(DNM1):c.2164G>T (p.Ala722Ser)

Gene: DNM1 (dynamin 1; plus strand). Cytogenetic location: 9q34.11.
Variant type: single nucleotide variant.
Coding change: c.2164G>T on transcript NM_004408.4 (MANE Select); coding-DNA position 2164, G replaced by T.
Protein change: p.Ala722Ser; replaces alanine 722 with serine.
Molecular consequence: missense variant.
Genome position (GRCh38, 1-based): chr9:128,250,202, G>T. VCF-style: chr9-128250202-G-T. GRCh37 (hg19) VCF-style: chr9-131012481-G-T.
Other names: c.2164G>T, p.Ala722Ser (NM_001005336.3, NM_001288737.2, NM_001288738.2 and 2 more transcripts); short protein forms A722S.
Identifiers: ClinVar variation 1720505 (VCV001720505.6), dbSNP rs562370038, ClinGen allele CA200323186.

ClinVar aggregate classification (germline): Uncertain significance (1 of 4 stars; one submission).

Conditions:
Developmental and epileptic encephalopathy, 31A. Also called: Epileptic encephalopathy, early infantile, 31; Developmental and epileptic encephalopathy, 31. Identifiers: Orphanet 2382, MedGen C4225357, MONDO:0014598, OMIM 616346.

Allele frequency attached by ClinVar (database versions not stated): gnomAD 0.00001; gnomAD exomes 0.00001.
gnomAD v4.1: 5 of 1,614,048 alleles (0.00031%); highest among the groups gnomAD compares: Non-Finnish European, 0.00042%; no homozygotes.

Submission:

Labcorp Genetics (formerly Invitae), Labcorp
Classification: Uncertain significance for Developmental and epileptic encephalopathy, 31A. Last evaluated: 2022-09-27. Review status: criteria provided, single submitter. Criteria: Invitae Variant Classification Sherloc (09022015). Collection method: clinical testing. Allele origin: germline.
Comment: In summary, the available evidence is currently insufficient to determine the role of this variant in disease. Therefore, it has been classified as a Variant of Uncertain Significance. Advanced modeling of protein sequence and biophysical properties (such as structural, functional, and spatial information, amino acid conservation, physicochemical variation, residue mobility, and thermodynamic stability) performed at Invitae indicates that this missense variant is not expected to disrupt DNM1 protein function. This variant has not been reported in the literature in individuals affected with DNM1-related conditions. This variant is present in population databases (rs562370038, gnomAD 0.0009%). This sequence change replaces alanine, which is neutral and non-polar, with serine, which is neutral and polar, at codon 722 of the DNM1 protein (p.Ala722Ser).